The following is an entry in ClinVar:

ClinVar aggregate classification (germline): Benign (1 of 4 stars; one submission).

gnomAD v4.1: 15,521 of 1,612,946 alleles (0.96%); highest among the groups gnomAD compares: Middle Eastern, 3.2%; 114 homozygotes.

Submission:

CeGaT Center for Human Genetics Tuebingen
Classification: Benign. Last evaluated: 2025-07-01. Review status: criteria provided, single submitter. Criteria: CeGaT Center For Human Genetics Tuebingen Variant Classification Criteria Version 2. Collection method: clinical testing. Allele origin: germline. Affected: yes. Observed: 1 variant allele.
Comment: MDC1: BP4, BS1, BS2

NM_014641.3(MDC1):c.998C>T (p.Ala333Val)

Genes: MDC1 (mediator of DNA damage checkpoint 1; minus strand), MDC1-AS1 (MDC1 antisense RNA 1; plus strand). Cytogenetic location: 6p21.33.
Variant type: single nucleotide variant.
Coding change: c.998C>T on transcript NM_014641.3 (MANE Select); coding-DNA position 998, C replaced by T.
Protein change: p.Ala333Val; replaces alanine 333 with valine.
Molecular consequence: missense variant. On other transcripts: non-coding transcript variant (1).
Genome position (GRCh38, 1-based): chr6:30,712,944, G>A on the plus strand (C>T on the coding strand, the complement: MDC1 is on the minus strand). VCF-style: chr6-30712944-G-A. GRCh37 (hg19) VCF-style: chr6-30680721-G-A.
Other names: short protein forms A333V.
Identifiers: ClinVar variation 4083608 (VCV004083608.8).